The following is an entry in ClinVar:

ClinVar aggregate classification (germline): Uncertain significance (1 of 4 stars; one submission).

Conditions:
Absence seizure. Also called: Absence epilepsy. Identifiers: Orphanet 1941, MedGen C0014553.
Myoclonic epilepsy, juvenile, susceptibility to, 1. Also called: Myoclonic Epilepsy, Juvenile, 1; EJM1. Identifiers: MedGen C1850778, MONDO:0020752, OMIM 254770.

Allele frequency attached by ClinVar (database versions not stated): gnomAD exomes below 0.00001 and 0.00001; ExAC 0.00001; gnomAD 0.00001; TOPMed 0.00001; ESP Exome Variant Server 0.00008.
gnomAD v4.1: 4 of 1,614,038 alleles (0.00025%); highest among the groups gnomAD compares: African/African-American, 0.0053%; no homozygotes.

Submission:

Labcorp Genetics (formerly Invitae), Labcorp
Classification: Uncertain significance for Myoclonic epilepsy, juvenile, susceptibility to, 1; Absence seizure. Last evaluated: 2019-12-08. Review status: criteria provided, single submitter. Criteria: Invitae Variant Classification Sherloc (09022015). Collection method: clinical testing. Allele origin: germline.
Comment: In summary, the available evidence is currently insufficient to determine the role of this variant in disease. Therefore, it has been classified as a Variant of Uncertain Significance. Algorithms developed to predict the effect of missense changes on protein structure and function are either unavailable or do not agree on the potential impact of this missense change (SIFT: "Tolerated"; PolyPhen-2: "Possibly Damaging"; Align-GVGD: "Class C15"). This variant has not been reported in the literature in individuals with EFHC1-related conditions. This variant is present in population databases (rs144708524, ExAC 0.01%). This sequence change replaces serine with alanine at codon 316 of the EFHC1 protein (p.Ser316Ala). The serine residue is highly conserved and there is a moderate physicochemical difference between serine and alanine.

NM_018100.4(EFHC1):c.946T>G (p.Ser316Ala)

Gene: EFHC1 (EF-hand domain containing 1; plus strand). Cytogenetic location: 6p12.2.
Variant type: single nucleotide variant.
Coding change: c.946T>G on transcript NM_018100.4 (MANE Select); coding-DNA position 946, T replaced by G.
Protein change: p.Ser316Ala; replaces serine 316 with alanine.
Molecular consequence: missense variant. On other transcripts: non-coding transcript variant (1).
Genome position (GRCh38, 1-based): chr6:52,464,924, T>G. VCF-style: chr6-52464924-T-G. GRCh37 (hg19) VCF-style: chr6-52329722-T-G.
Other names: c.889T>G, p.Ser297Ala (NM_001172420.2); short protein forms S297A, S316A.
Identifiers: ClinVar variation 839615 (VCV000839615.11), dbSNP rs144708524, ClinGen allele CA3855958.
Genomic context (GRCh38, chr6:52,464,924, plus strand): 5'-TTTTTTTCTCTCTAACACCATCTTATATTAGAGAACTTCCCTCAGTGTGTGCTAGAAATC[T>G]CTGACCAAGAAGTGTTGGAATGGTATACTGCTAAAGACTTCATTGTTGGGAAGTCACTCA-3'
Protein context (NP_060570.2, residues 306-326): KNFPQCVLEI[Ser316Ala]DQEVLEWYTA